The following is an entry in ClinVar:

NM_030632.3(ASXL3):c.1082A>T (p.Lys361Met)

Gene: ASXL3 (ASXL transcriptional regulator 3; plus strand). Cytogenetic location: 18q12.1.
Variant type: single nucleotide variant.
Coding change: c.1082A>T on transcript NM_030632.3 (MANE Select); coding-DNA position 1082, A replaced by T.
Protein change: p.Lys361Met; replaces lysine 361 with methionine.
Molecular consequence: missense variant.
Genome position (GRCh38, 1-based): chr18:33,734,415, A>T. VCF-style: chr18-33734415-A-T. GRCh37 (hg19) VCF-style: chr18-31314379-A-T.
Other names: short protein forms K361M.
Identifiers: ClinVar variation 4076899 (VCV004076899.1).
Genomic context (GRCh38, chr18:33,734,415, plus strand): 5'-AGAAGGAAAAGAAAACAGAACCTTGGAAAGAAAAATTCTTTGAGAGGTTTTATGGAGAAA[A>T]GTAAGTACTAGAGTATTTTTTCTCATTTCTCTGAGAAAGAAATGAAAATGTAATTCTCTG-3'
Protein context (NP_085135.1, residues 351-371): EKFFERFYGE[Lys361Met]LGMSREESVK

ClinVar aggregate classification (germline): Uncertain significance (1 of 4 stars; one submission).

Submission:

GeneDx
Classification: Uncertain significance. Last evaluated: 2025-02-23. Review status: criteria provided, single submitter. Criteria: GeneDx Variant Classification Process June 2021. Collection method: clinical testing. Allele origin: germline. Affected: yes.
Comment: Not observed at significant frequency in large population cohorts (gnomAD); In silico analysis supports that this missense variant has a deleterious effect on protein structure/function; Has not been previously published as pathogenic or benign to our knowledge